The following is an entry in ClinVar:

NM_000059.4(BRCA2):c.1539A>G (p.Lys513=)

Gene: BRCA2 (BRCA2 DNA repair associated; plus strand). Cytogenetic location: 13q13.1.
Variant type: single nucleotide variant.
Coding change: c.1539A>G on transcript NM_000059.4 (MANE Select); coding-DNA position 1539, A replaced by G.
Protein change: p.Lys513=; no amino-acid change (lysine 513 retained).
Molecular consequence: synonymous variant.
Genome position (GRCh38, 1-based): chr13:32,333,017, A>G. VCF-style: chr13-32333017-A-G. GRCh37 (hg19) VCF-style: chr13-32907154-A-G.
Identifiers: ClinVar variation 427420 (VCV000427420.5), dbSNP rs557258016, ClinGen allele CA247497712.

ClinVar aggregate classification (germline): Likely benign. Review status: reviewed by expert panel (3 of 4 stars). 2 submissions from 2 submitters: Likely benign (1). 1 of the submissions does not count toward it. Last evaluated 2017-06-29.

Conditions:
Hereditary cancer-predisposing syndrome. Also called: Hereditary neoplastic syndrome; Hereditary Cancer Syndrome; Neoplastic Syndromes, Hereditary; Tumor predisposition. Identifiers: Orphanet 140162, MedGen C0027672, MeSH D009386, MONDO:0015356.
Breast-ovarian cancer, familial, susceptibility to, 2 (BROVCA2). Also called: BRCA2 Hereditary Breast and Ovarian Cancer. Identifiers: Orphanet 145, MedGen C2675520, MONDO:0012933, OMIM 612555. Disease mechanism: loss of function.

Allele frequency attached by ClinVar (database versions not stated): gnomAD exomes below 0.00001; gnomAD 0.00001; 1000 Genomes Project 30x 0.00016; 1000 Genomes Project 0.00020.
gnomAD v4.1: 2 of 1,596,338 alleles (0.00013%); highest among the groups gnomAD compares: Non-Finnish European, 0.00017%; no homozygotes.

Submissions (2):

Evidence-based Network for the Interpretation of Germline Mutant Alleles (ENIGMA)
Classification: Likely benign for Breast-ovarian cancer, familial, susceptibility to, 2. Last evaluated: 2017-06-29. Review status: reviewed by expert panel. Criteria: ENIGMA BRCA1/2 Classification Criteria (2017-06-29). Collection method: curation. Allele origin: germline.
Comment: Synonymous substitution variant, with low bioinformatic likelihood to result in a splicing aberration (Splicing prior probability 0.02).

Ambry Genetics
Classification: Likely benign for Hereditary cancer-predisposing syndrome. Last evaluated: 2021-08-18. Review status: criteria provided, single submitter. Criteria: Ambry Variant Classification Scheme 2023. Collection method: clinical testing. Allele origin: germline. Not counted in ClinVar's aggregate classification.